The following is an entry in ClinVar:

ClinVar aggregate classification (germline): Uncertain significance (1 of 4 stars; one submission).

Submission:

GeneDx
Classification: Uncertain significance. Last evaluated: 2024-10-20. Review status: criteria provided, single submitter. Criteria: GeneDx Variant Classification Process June 2021. Collection method: clinical testing. Allele origin: germline. Affected: yes.
Comment: Not observed at significant frequency in large population cohorts (gnomAD); In silico analysis supports that this missense variant has a deleterious effect on protein structure/function; Has not been previously published as pathogenic or benign to our knowledge

NM_004519.4(KCNQ3):c.497T>G (p.Ile166Ser)

Gene: KCNQ3 (potassium voltage-gated channel subfamily Q member 3; minus strand). Cytogenetic location: 8q24.22.
Variant type: single nucleotide variant.
Coding change: c.497T>G on transcript NM_004519.4 (MANE Select); coding-DNA position 497, T replaced by G.
Protein change: p.Ile166Ser; replaces isoleucine 166 with serine.
Molecular consequence: missense variant.
Genome position (GRCh38, 1-based): chr8:132,184,348, A>C on the plus strand (T>G on the coding strand, the complement: KCNQ3 is on the minus strand). VCF-style: chr8-132184348-A-C. GRCh37 (hg19) VCF-style: chr8-133196595-A-C.
Other names: c.137T>G, p.Ile46Ser (NM_001204824.2); short protein forms I46S, I166S.
Identifiers: ClinVar variation 3781152 (VCV003781152.1).
Genomic context (GRCh38, chr8:132,184,348, plus strand): 5'-CCTTTGTATCGGCAGCAACATCCAGCAGCCCAGATCCTCAAAGCAAACTCGGCTCCAAAG[A>C]TGAAAATAGCAAATGTCTCCTGCATGGAAGAGCATATGGAGAGGCACTGATTAACCGAGA-3'
Protein context (NP_004510.1, residues 156-176): LLLLETFAIF[Ile166Ser]FGAEFALRIW